The following is an entry in ClinVar:

ClinVar aggregate classification (germline): Likely benign. Review status: criteria provided, multiple submitters, no conflicts (2 of 4 stars). 4 submissions from 4 submitters: Likely benign (4). Last evaluated 2026-02-25.

Conditions:
Autosomal dominant limb-girdle muscular dystrophy type 1D (DNAJB6) (LGMDD1). Also called: MUSCULAR DYSTROPHY, LIMB-GIRDLE, TYPE 1D; MUSCULAR DYSTROPHY, AUTOSOMAL DOMINANT, WITH RIMMED VACUOLES; Autosomal dominant limb-girdle muscular dystrophy type 1D; Muscular dystrophy, limb-girdle, autosomal dominant 1. Identifiers: Orphanet 34516, MedGen C4721885, MONDO:0021018, OMIM 603511.

Allele frequency attached by ClinVar (database versions not stated): gnomAD 0.00001; gnomAD exomes 0.00003 and 0.00004; ExAC 0.00026; TOPMed below 0.00001.
gnomAD v4.1: 38 of 1,534,472 alleles (0.0025%); highest among the groups gnomAD compares: South Asian, 0.03%; 1 homozygote.

Submissions (4):

Women's Health and Genetics/Laboratory Corporation of America, LabCorp
Classification: Likely benign. Last evaluated: 2026-02-25. Review status: criteria provided, single submitter. Criteria: LabCorp Variant Classification Summary - May 2015. Collection method: clinical testing. Allele origin: germline.

Labcorp Genetics (formerly Invitae), Labcorp
Classification: Likely benign for Autosomal dominant limb-girdle muscular dystrophy type 1D (DNAJB6). Last evaluated: 2025-12-10. Review status: criteria provided, single submitter. Criteria: Invitae Variant Classification Sherloc (09022015). Collection method: clinical testing. Allele origin: germline.

Blueprint Genetics
Classification: Likely benign. Last evaluated: 2024-07-04. Review status: criteria provided, single submitter. Criteria: ACMG Guidelines, 2015. Collection method: clinical testing. Allele origin: germline.

GeneDx
Classification: Likely benign. Last evaluated: 2016-08-08. Review status: criteria provided, single submitter. Criteria: GeneDx Variant Classification (06012015). Collection method: clinical testing. Allele origin: germline. Affected: yes.
Comment: This variant is considered likely benign or benign based on one or more of the following criteria: it is a conservative change, it occurs at a poorly conserved position in the protein, it is predicted to be benign by multiple in silico algorithms, and/or has population frequency not consistent with disease.

NM_058246.4(DNAJB6):c.798C>T (p.Ala266=)

Gene: DNAJB6 (DnaJ heat shock protein family (Hsp40) member B6; plus strand). Cytogenetic location: 7q36.3.
Variant type: single nucleotide variant.
Coding change: c.798C>T on transcript NM_058246.4 (MANE Select); coding-DNA position 798, C replaced by T.
Protein change: p.Ala266=; no amino-acid change (alanine 266 retained).
Molecular consequence: synonymous variant.
Genome position (GRCh38, 1-based): chr7:157,409,901, C>T. VCF-style: chr7-157409901-C-T. GRCh37 (hg19) VCF-style: chr7-157202595-C-T.
Other names: c.453C>T, p.Ala151= (NM_001363676.1).
Identifiers: ClinVar variation 388098 (VCV000388098.12), dbSNP rs775087124, ClinGen allele CA4590648.
Genomic context (GRCh38, chr7:157,409,901, plus strand): 5'-CCAGAACGCCCTGCCAGCCCAGCCTGCCGGCCTCCGCCCGCCGAAGCCGCCCCGGCCTGC[C>T]TCGCTGCTGAGACACGCGCCTCACTGTCTCTCTGAGGAGGAGGGCGAGCAGGACCGACCT-3'
Protein context (NP_490647.1, residues 256-276): GLRPPKPPRP[Ala266=]SLLRHAPHCL